The following is an entry in ClinVar:

ClinVar aggregate classification (germline): Benign/Likely benign. Review status: criteria provided, multiple submitters, no conflicts (2 of 4 stars). 4 submissions from 4 submitters: Benign (1); Likely benign (3). Last evaluated 2025-12-14.

Conditions:
Birt-Hogg-Dube syndrome 1 (BHD1). Also called: FIBROFOLLICULOMAS WITH TRICHODISCOMAS AND ACROCHORDONS. Identifiers: Orphanet 122, MedGen CN375946, MONDO:0800445, OMIM 135150.
Birt-Hogg-Dube syndrome. Also called: Birt Hogg Dubé syndrome. Identifiers: Orphanet 122, MedGen C0346010, MONDO:0800444.
Hereditary cancer-predisposing syndrome. Also called: Tumor predisposition; Hereditary Cancer Syndrome; Neoplastic Syndromes, Hereditary; Hereditary neoplastic syndrome. Identifiers: Orphanet 140162, MedGen C0027672, MeSH D009386, MONDO:0015356.

Allele frequency attached by ClinVar (database versions not stated): gnomAD 0.00001; gnomAD exomes 0.00001; TOPMed 0.00001.
gnomAD v4.1: 13 of 1,614,030 alleles (0.00081%); highest among the groups gnomAD compares: African/African-American, 0.0027%; no homozygotes.

Submissions (4):

Labcorp Genetics (formerly Invitae), Labcorp
Classification: Likely benign for Birt-Hogg-Dube syndrome. Last evaluated: 2025-12-14. Review status: criteria provided, single submitter. Criteria: Invitae Variant Classification Sherloc (09022015). Collection method: clinical testing. Allele origin: germline.

Myriad Genetics, Inc.
Classification: Benign for Birt-Hogg-Dube syndrome 1. Last evaluated: 2024-10-23. Review status: criteria provided, single submitter. Criteria: Myriad Autosomal Dominant, Autosomal Recessive and X-Linked Classification Criteria (2023). Collection method: clinical testing. Allele origin: unknown.
Comment: This variant is considered benign. This variant is a silent/synonymous amino acid change and it is not expected to impact splicing.

Blueprint Genetics
Classification: Likely benign. Last evaluated: 2024-06-27. Review status: criteria provided, single submitter. Criteria: ACMG Guidelines, 2015. Collection method: clinical testing. Allele origin: germline.

Ambry Genetics
Classification: Likely benign for Hereditary cancer-predisposing syndrome. Last evaluated: 2016-08-26. Review status: criteria provided, single submitter. Criteria: Ambry Variant Classification Scheme 2023. Collection method: clinical testing. Allele origin: germline.

NM_144997.7(FLCN):c.978G>A (p.Pro326=)

Gene: FLCN (folliculin; minus strand). Cytogenetic location: 17p11.2.
Variant type: single nucleotide variant.
Coding change: c.978G>A on transcript NM_144997.7 (MANE Select); coding-DNA position 978, G replaced by A.
Protein change: p.Pro326=; no amino-acid change (proline 326 retained).
Molecular consequence: synonymous variant.
Genome position (GRCh38, 1-based): chr17:17,219,103, C>T on the plus strand (G>A on the coding strand, the complement: FLCN is on the minus strand). VCF-style: chr17-17219103-C-T. GRCh37 (hg19) VCF-style: chr17-17122417-C-T.
Other names: c.1032G>A, p.Pro344= (NM_001353229.2); c.978G>A, p.Pro326= (NM_001353230.2, NM_001353231.2); c.978G>A (LRG_325t1).
Identifiers: ClinVar variation 485588 (VCV000485588.17), dbSNP rs920594920, ClinGen allele CA288311641.